The following is an entry in ClinVar:

ClinVar aggregate classification (germline): Uncertain significance (1 of 4 stars; one submission).

Conditions:
Gastrointestinal stromal tumor. Also called: Gastrointestinal stromal tumor, somatic; Gastrointestinal stroma tumor. Identifiers: Orphanet 44890, MedGen C0238198, MeSH D046152, MONDO:0011719, OMIM 606764, HP:0100723.

Submission:

Labcorp Genetics (formerly Invitae), Labcorp
Classification: Uncertain significance for Gastrointestinal stromal tumor. Last evaluated: 2019-05-23. Review status: criteria provided, single submitter. Criteria: Invitae Variant Classification Sherloc (09022015). Collection method: clinical testing. Allele origin: germline.
Comment: This sequence change replaces isoleucine with methionine at codon 139 of the PDGFRA protein (p.Ile139Met). The isoleucine residue is weakly conserved and there is a small physicochemical difference between isoleucine and methionine. This variant is not present in population databases (ExAC no frequency). This variant has not been reported in the literature in individuals with PDGFRA-related conditions. Algorithms developed to predict the effect of missense changes on protein structure and function are either unavailable or do not agree on the potential impact of this missense change (SIFT: "Deleterious"; PolyPhen-2: "Benign"; Align-GVGD: "Class C0"). In summary, the available evidence is currently insufficient to determine the role of this variant in disease. Therefore, it has been classified as a Variant of Uncertain Significance.

NM_006206.6(PDGFRA):c.417C>G (p.Ile139Met)

Gene: PDGFRA (platelet derived growth factor receptor alpha; plus strand). Cytogenetic location: 4q12.
Variant type: single nucleotide variant.
Coding change: c.417C>G on transcript NM_006206.6 (MANE Select); coding-DNA position 417, C replaced by G.
Protein change: p.Ile139Met; replaces isoleucine 139 with methionine.
Molecular consequence: missense variant.
Genome position (GRCh38, 1-based): chr4:54,263,716, C>G. VCF-style: chr4-54263716-C-G. GRCh37 (hg19) VCF-style: chr4-55129883-C-G.
Other names: c.417C>G, p.Ile139Met (NM_001347827.2, NM_001347829.2); c.492C>G, p.Ile164Met (NM_001347828.2); c.456C>G, p.Ile152Met (NM_001347830.2); short protein forms I139M, I152M, I164M.
Identifiers: ClinVar variation 948767 (VCV000948767.10), dbSNP rs752320486, ClinGen allele CA356889759.